The following is an entry in ClinVar:

ClinVar aggregate classification (germline): Uncertain significance (1 of 4 stars; one submission).

Conditions:
Developmental and epileptic encephalopathy, 9 (DEE9). Also called: JUBERG-HELLMAN SYNDROME; PCDH19-Related X-Linked Female-Limited Epilepsy with Mental Retardation; Early infantile epileptic encephalopathy 9; EPILEPSY, FEMALE-RESTRICTED, WITH MENTAL RETARDATION. Identifiers: Orphanet 101039, Orphanet 2076, MedGen C1848137, MONDO:0010246, OMIM 300088. Disease mechanism: loss of function.

Submission:

Labcorp Genetics (formerly Invitae), Labcorp
Classification: Uncertain significance for Developmental and epileptic encephalopathy, 9. Last evaluated: 2024-10-24. Review status: criteria provided, single submitter. Criteria: Invitae Variant Classification Sherloc (09022015). Collection method: clinical testing. Allele origin: germline.
Comment: This sequence change replaces aspartic acid, which is acidic and polar, with valine, which is neutral and non-polar, at codon 1001 of the PCDH19 protein (p.Asp1001Val). This variant is not present in population databases (gnomAD no frequency). This variant has not been reported in the literature in individuals affected with PCDH19-related conditions. Invitae Evidence Modeling of protein sequence and biophysical properties (such as structural, functional, and spatial information, amino acid conservation, physicochemical variation, residue mobility, and thermodynamic stability) has been performed for this missense variant. However, the output from this modeling did not meet the statistical confidence thresholds required to predict the impact of this variant on PCDH19 protein function. In summary, the available evidence is currently insufficient to determine the role of this variant in disease. Therefore, it has been classified as a Variant of Uncertain Significance.

NM_001184880.2(PCDH19):c.3002A>T (p.Asp1001Val)

Gene: PCDH19 (protocadherin 19; minus strand). Cytogenetic location: Xq22.1.
Variant type: single nucleotide variant.
Coding change: c.3002A>T on transcript NM_001184880.2 (MANE Select); coding-DNA position 3002, A replaced by T.
Protein change: p.Asp1001Val; replaces aspartic acid 1001 with valine.
Molecular consequence: missense variant.
Genome position (GRCh38, 1-based): chrX:100,296,722, T>A on the plus strand (A>T on the coding strand, the complement: PCDH19 is on the minus strand). VCF-style: chrX-100296722-T-A. GRCh37 (hg19) VCF-style: chrX-99551720-T-A.
Other names: c.2861A>T, p.Asp954Val (NM_001105243.2); c.2858A>T, p.Asp953Val (NM_020766.3); short protein forms D1001V, D953V, D954V.
Identifiers: ClinVar variation 2899861 (VCV002899861.3), dbSNP rs1924624840, ClinGen allele CA414000663.
Genomic context (GRCh38, chrX:100,296,722, plus strand): 5'-TCTTTCCCAAAGGTTGCGAAAGTCCGTTTGGTGGGGCCGCAGTCGTCATAAGCCTCGACA[T>A]CAGCAGCAGTAGCTTCAATAGACAGCGCGATGATGTTCCTCACATGCTCAGGGGACTTGG-3'
Protein context (NP_001171809.1, residues 991-1011): IALSIEATAA[Asp1001Val]VEAYDDCGPT